The following continues an entry in ClinVar:

NM_000051.4(ATM):c.4578C>T (p.Pro1526=)

Gene: ATM. ClinVar aggregate classification (germline): Benign/Likely benign. Benign (18); Likely benign (3).

Submissions 27 to 31 of 31:

Department of Pathology and Laboratory Medicine, Sinai Health System
Classification: Benign for Malignant tumor of breast. Review status: no assertion criteria provided. Collection method: clinical testing. Allele origin: unknown. Affected: yes. Study: The Canadian Open Genetics Repository (COGR). Not counted in ClinVar's aggregate classification.
Comment: The ATM p.Pro1526= variant was identified in 520 of 9784 proband chromosomes (frequency: 0.05) from individuals or families with unselected multiple myeloma, breast cancer and was identified in 395 of 6700 control chromosomes (frequency: 0.059) from healthy individuals (Austen 2008, Concannon 2008, Petereit 2013, Stredrick 2006, Tommiska 2006). The variant was also identified in dbSNP (ID: rs rs1800889) as â€šÃ„Ãºotherâ€šÃ„Ã¹, ClinVar (classified as benign by Invitae, Ambry Genetics, Prevention Genetics, Color Genomics; classified as likely benign by Illumina, GSLUOC), Cosmic (classified as neutral), LOVD 3.0 (does not affect function), databases. The variant was not identified in GeneInsight-COGR, MutDB, ATM-LOVD, databases. The variant was identified in control databases in 9064 (227 homozygous) of 277100 chromosomes at a frequency of 0.03 increasing the likelihood this could be a low frequency benign variant (Genome Aggregation Consortium Feb 27, 2017)". The variant was identified in the following populations at a frequency greater than 1%: European (Non-Finnish) in 6425 of 126614 chromosomes (freq: 0.051), Other in 212 of 6458 chromosomes (freq: 0.033), Latino in 1062 of 34414 chromosomes (freq: 0.031), European (Finnish) in 641 of 25788 chromosomes (freq: 0.025), Ashkenazi Jewish* in 131 of 10146 chromosomes (freq: 0.013), South Asian in 396 of 30782 chromosomes (freq: 0.013). The p.Pro1526Pro variant is not expected to have clinical significance because it does not result in a change of amino acid and is not located in a known consensus splice site. The variant occurs outside of the splicing consensus sequence and 2 of 5 in silico or computational prediction software programs (SpliceSiteFinder, MaxEntScan, NNSPLICE, GeneSplicer, HumanSpliceFinder) predict a greater than 10% difference in splicing; this is not very predictive of pathogenicity. In addition, few studies suggest the variant not associated with breast cancer risk and classify the variant as SNP (Stredrick 2006, Tommiska 2006). In summary, based on the above information this variant meets our laboratory's criteria to be classified as benign.

Diagnostic Laboratory, Department of Genetics, University Medical Center Groningen
Classification: Benign for Ataxia-telangiectasia syndrome. Review status: no assertion criteria provided. Collection method: clinical testing. Allele origin: germline. Affected: yes. Study: VKGL Data-share Consensus. Not counted in ClinVar's aggregate classification.

Genetic Services Laboratory, University of Chicago
Classification: Likely benign for AllHighlyPenetrant. Review status: no assertion criteria provided. Collection method: clinical testing. Allele origin: germline. Inheritance: Autosomal recessive inheritance. Not counted in ClinVar's aggregate classification.
Comment: Likely benign based on allele frequency in 1000 Genomes Project or ESP global frequency and its presence in a patient with a rare or unrelated disease phenotype. NOT Sanger confirmed.

Joint Genome Diagnostic Labs from Nijmegen and Maastricht, Radboudumc and MUMC+
Classification: Benign. Review status: no assertion criteria provided. Collection method: clinical testing. Allele origin: germline. Affected: yes. Study: VKGL Data-share Consensus. Not counted in ClinVar's aggregate classification.

Laboratory of Diagnostic Genome Analysis, Leiden University Medical Center (LUMC)
Classification: Benign. Review status: no assertion criteria provided. Collection method: clinical testing. Allele origin: germline. Affected: yes. Study: VKGL Data-share Consensus. Not counted in ClinVar's aggregate classification.